The following is an entry in ClinVar:

ClinVar aggregate classification (germline): Uncertain significance (1 of 4 stars; one submission).

gnomAD v4.1: 18 of 1,542,696 alleles (0.0012%); highest among the groups gnomAD compares: Middle Eastern, 0.26%; 1 homozygote.

Submission:

Labcorp Genetics (formerly Invitae), Labcorp
Classification: Uncertain significance. Last evaluated: 2020-08-04. Review status: criteria provided, single submitter. Criteria: Invitae Variant Classification Sherloc (09022015). Collection method: clinical testing. Allele origin: germline.
Comment: Experimental studies and prediction algorithms are not available or were not evaluated, and the functional significance of this variant is currently unknown. This sequence change replaces proline with arginine at codon 1469 of the PRR12 protein (p.Pro1469Arg). The proline residue is highly conserved and there is a moderate physicochemical difference between proline and arginine. The frequency data for this variant in the population databases is considered unreliable, as metrics indicate insufficient coverage at this position in the ExAC database. This variant has not been reported in the literature in individuals with PRR12-related conditions. In summary, the available evidence is currently insufficient to determine the role of this variant in disease. Therefore, it has been classified as a Variant of Uncertain Significance.

NM_020719.3(PRR12):c.4406C>G (p.Pro1469Arg)

Gene: PRR12 (proline rich 12; plus strand). Cytogenetic location: 19q13.33.
Variant type: single nucleotide variant.
Coding change: c.4406C>G on transcript NM_020719.3 (MANE Select); coding-DNA position 4406, C replaced by G.
Protein change: p.Pro1469Arg; replaces proline 1469 with arginine.
Molecular consequence: missense variant.
Genome position (GRCh38, 1-based): chr19:49,601,551, C>G. VCF-style: chr19-49601551-C-G. GRCh37 (hg19) VCF-style: chr19-50104808-C-G.
Other names: short protein forms P1469R.
Identifiers: ClinVar variation 1021125 (VCV001021125.8), dbSNP rs1173127021, ClinGen allele CA406828187.